The following is an entry in ClinVar:

ClinVar aggregate classification (germline): Uncertain significance. Review status: criteria provided, multiple submitters, no conflicts (2 of 4 stars). 2 submissions from 2 submitters: Uncertain significance (2). Last evaluated 2024-01-24.

Conditions:
Congenital muscular dystrophy due to integrin alpha-7 deficiency. Also called: MYOPATHY, CONGENITAL, DUE TO INTEGRIN ALPHA-7 DEFICIENCY; Congenital muscular dystrophy with integrin alpha-7 deficiency; Muscular dystrophy, congenital, due to ITGA7 deficiency. Identifiers: Orphanet 34520, MedGen C2750786, MONDO:0013177, OMIM 613204.

Allele frequency attached by ClinVar (database versions not stated): gnomAD exomes 0.00001 and 0.00002; gnomAD 0.00002 and 0.00003; ExAC 0.00003; TOPMed 0.00005.
gnomAD v4.1: 23 of 1,613,560 alleles (0.0014%); highest among the groups gnomAD compares: East Asian, 0.0022%; no homozygotes.

Submissions (2):

Ambry Genetics
Classification: Uncertain significance. Last evaluated: 2024-01-24. Review status: criteria provided, single submitter. Criteria: Ambry Variant Classification Scheme 2023. Collection method: clinical testing. Allele origin: germline.

Labcorp Genetics (formerly Invitae), Labcorp
Classification: Uncertain significance for Congenital muscular dystrophy due to integrin alpha-7 deficiency. Last evaluated: 2024-01-19. Review status: criteria provided, single submitter. Criteria: Invitae Variant Classification Sherloc (09022015). Collection method: clinical testing. Allele origin: germline.
Comment: This sequence change replaces alanine, which is neutral and non-polar, with threonine, which is neutral and polar, at codon 386 of the ITGA7 protein (p.Ala386Thr). This variant is present in population databases (rs776050440, gnomAD 0.005%). This variant has not been reported in the literature in individuals affected with ITGA7-related conditions. ClinVar contains an entry for this variant (Variation ID: 848559). Advanced modeling of protein sequence and biophysical properties (such as structural, functional, and spatial information, amino acid conservation, physicochemical variation, residue mobility, and thermodynamic stability) performed at Invitae indicates that this missense variant is not expected to disrupt ITGA7 protein function with a negative predictive value of 80%. In summary, the available evidence is currently insufficient to determine the role of this variant in disease. Therefore, it has been classified as a Variant of Uncertain Significance.

NM_002206.3(ITGA7):c.1156G>A (p.Ala386Thr)

Gene: ITGA7 (integrin subunit alpha 7; minus strand). Cytogenetic location: 12q13.2.
Variant type: single nucleotide variant.
Coding change: c.1156G>A on transcript NM_002206.3 (MANE Select); coding-DNA position 1156, G replaced by A.
Protein change: p.Ala386Thr; replaces alanine 386 with threonine.
Molecular consequence: missense variant. On other transcripts: 5 prime UTR variant (1).
Genome position (GRCh38, 1-based): chr12:55,698,419, C>T on the plus strand (G>A on the coding strand, the complement: ITGA7 is on the minus strand). VCF-style: chr12-55698419-C-T. GRCh37 (hg19) VCF-style: chr12-56092203-C-T.
Other names: c.1168G>A, p.Ala390Thr (NM_001144996.2, NM_001414029.1); c.877G>A, p.Ala293Thr (NM_001144997.2); c.829G>A, p.Ala277Thr (NM_001367993.1); c.-137G>A (NM_001367994.1); c.1156G>A, p.Ala386Thr (NM_001374465.1, NM_001414034.1); c.1288G>A, p.Ala430Thr (NM_001410977.1); c.1081G>A, p.Ala361Thr (NM_001414030.1); c.1069G>A, p.Ala357Thr (NM_001414031.1); and 3 more; short protein forms A386T, A390T, A277T, A293T, A430T, A357T, A361T, A325T.
Identifiers: ClinVar variation 848559 (VCV000848559.8), dbSNP rs776050440, ClinGen allele CA6616043.
Genomic context (GRCh38, chr12:55,698,419, plus strand): 5'-AGCCTTTCCAGTTCCCCGTCACACCTGGAAAGCCATCTTGGTTGAGGTCCCCCAGGACAG[C>T]CAGGCTGATCCCGAACATGGAGTCAGGGGAGCCGCAGAGCCGGAGAGGGGAGATCCCAGC-3'
Protein context (NP_002197.2, residues 376-396): SPDSMFGISL[Ala386Thr]VLGDLNQDGF